The following is an entry in ClinVar:

ClinVar aggregate classification (germline): Likely benign. Review status: criteria provided, multiple submitters, no conflicts (2 of 4 stars). 2 submissions from 2 submitters: Likely benign (2). Last evaluated 2026-04-13.

Conditions:
DICER1-related tumor predisposition. Also called: DICER1 syndrome; DICER1-related pleuropulmonary blastoma cancer predisposition syndrome. Identifiers: Orphanet 284343, MedGen C3839822, MONDO:0100216.

Submissions (2):

Myriad Genetics, Inc.
Classification: Likely benign for DICER1-related tumor predisposition. Last evaluated: 2026-04-13. Review status: criteria provided, single submitter. Criteria: Myriad Autosomal Dominant, Autosomal Recessive and X-Linked Classification Criteria (2023). Collection method: clinical testing. Allele origin: unknown.
Comment: This variant is considered likely benign. This variant is intronic and is not expected to impact mRNA splicing.

Labcorp Genetics (formerly Invitae), Labcorp
Classification: Likely benign for DICER1-related tumor predisposition. Last evaluated: 2024-08-13. Review status: criteria provided, single submitter. Criteria: Invitae Variant Classification Sherloc (09022015). Collection method: clinical testing. Allele origin: germline.

NM_177438.3(DICER1):c.1908-19A>T

Gene: DICER1 (dicer 1, ribonuclease III; minus strand). Cytogenetic location: 14q32.13.
Variant type: single nucleotide variant.
Coding change: c.1908-19A>T on transcript NM_177438.3 (MANE Select); 19 bases into the intron before coding-DNA position 1908, A replaced by T.
Molecular consequence: intron variant.
Genome position (GRCh38, 1-based): chr14:95,113,243, T>A on the plus strand (A>T on the coding strand, the complement: DICER1 is on the minus strand). VCF-style: chr14-95113243-T-A. GRCh37 (hg19) VCF-style: chr14-95579580-T-A.
Other names: c.1341-19A>T (NM_001395691.1); c.1908-19A>T (NM_001395684.1, NM_001395683.1, NM_001395679.1 and 12 more transcripts); c.1503-19A>T (NM_001395688.1, NM_001395696.1, NM_001395698.1 and 3 more transcripts); c.225-19A>T (NM_001395697.1); c.1626-19A>T (NM_001395686.1).
Identifiers: ClinVar variation 3706912 (VCV003706912.3).